The following is an entry in ClinVar:

NM_001365536.1(SCN9A):c.2227G>T (p.Asp743Tyr)

Genes: SCN1A-AS1 (SCN1A and SCN9A antisense RNA 1; plus strand), SCN9A (sodium voltage-gated channel alpha subunit 9; minus strand). Cytogenetic location: 2q24.3.
Variant type: single nucleotide variant.
Coding change: c.2227G>T on transcript NM_001365536.1 (MANE Select); coding-DNA position 2227, G replaced by T.
Protein change: p.Asp743Tyr; replaces aspartic acid 743 with tyrosine.
Molecular consequence: missense variant.
Genome position (GRCh38, 1-based): chr2:166,280,473, C>A on the plus strand (G>T on the coding strand, the complement: SCN9A is on the minus strand). VCF-style: chr2-166280473-C-A. GRCh37 (hg19) VCF-style: chr2-167136983-C-A.
Other names: c.2194G>T, p.Asp732Tyr (NM_002977.4); short protein forms D732Y, D743Y.
Identifiers: ClinVar variation 3383082 (VCV003383082.2).

ClinVar aggregate classification (germline): Uncertain significance (1 of 4 stars; one submission).

Conditions:
Primary erythromelalgia. Also called: SCN9A Erythromelalgia (SCN9A-EM); primary erythermalgia. Identifiers: Orphanet 306577, Orphanet 90026, MedGen C0014805, MONDO:0007571, OMIM 133020.

gnomAD v4.1: 1 of 1,585,318 alleles (0.000063%); highest among the groups gnomAD compares: Non-Finnish European, 0.000086%; no homozygotes.

Submission:

Juno Genomics, Hangzhou Juno Genomics, Inc
Classification: Uncertain significance for Primary erythromelalgia. Review status: criteria provided, single submitter. Criteria: ACMG Guidelines, 2015. Collection method: clinical testing. Allele origin: germline. Affected: yes.
Comment: Multiple lines of computational evidence support a deleterious effect on the gene or gene product (conservation, evolutionary, splicing impact, etc).;Absent from controls (or at extremely low frequency if recessive) in Genome Aggregation Database, Exome Sequencing Project, 1000 Genomes Project, or Exome Aggregation Consortium.